The following is an entry in ClinVar:

ClinVar aggregate classification (germline): Pathogenic. Review status: criteria provided, multiple submitters, no conflicts (2 of 4 stars). 2 submissions from 2 submitters: Pathogenic (2). Last evaluated 2025-07-28.

Conditions:
Hypertrophic cardiomyopathy. Also called: HYPERTROPHIC MYOCARDIOPATHY. Identifiers: Orphanet 217569, MedGen C0007194, MeSH D002312, MONDO:0005045, HP:0001639.
Hypertrophic cardiomyopathy 4. Also called: Familial hypertrophic cardiomyopathy 4. Identifiers: MedGen C1861862, MONDO:0007268, OMIM 115197.

Submissions (2):

3billion
Classification: Pathogenic for Hypertrophic cardiomyopathy 4. Last evaluated: 2025-07-28. Review status: criteria provided, single submitter. Criteria: ACMG Guidelines, 2015. Collection method: clinical testing. Allele origin: germline. Affected: yes.
Comment: The variant is not observed in the gnomAD v4.1.0 dataset. Predicted Consequence/Location: Frameshift: predicted to result in a loss or disruption of normal protein function through nonsense-mediated decay (NMD) or protein truncation. Multiple pathogenic variants are reported downstream of the variant. The variant has been reported at least twice as pathogenic without evidence for the classification (ClinVar ID: VCV000651464 /PMID: 32492895 /3billion dataset). Therefore, this variant is classified as Pathogenic according to the recommendation of ACMG/AMP guideline.

Labcorp Genetics (formerly Invitae), Labcorp
Classification: Pathogenic for Hypertrophic cardiomyopathy. Last evaluated: 2023-03-30. Review status: criteria provided, single submitter. Criteria: Invitae Variant Classification Sherloc (09022015). Collection method: clinical testing. Allele origin: germline.
Comment: This variant disrupts a region of the MYBPC3 protein in which other variant(s) (p.Arg1271*) have been determined to be pathogenic (PMID: 18533079, 19574547, 19996403, 23396983, 27532257). This suggests that this is a clinically significant region of the protein, and that variants that disrupt it are likely to be disease-causing. For these reasons, this variant has been classified as Pathogenic. Algorithms developed to predict the effect of sequence changes on RNA splicing suggest that this variant may disrupt the consensus splice site. This variant is not present in population databases (gnomAD no frequency). This sequence change results in a frameshift in the MYBPC3 gene (p.Arg1267Alafs*64). While this is not anticipated to result in nonsense mediated decay, it is expected to disrupt the last 8 amino acid(s) of the MYBPC3 protein and extend the protein by 55 additional amino acid residues. This frameshift has been observed in individual(s) with clinical features of MYBPC3-related conditions (Invitae). ClinVar contains an entry for this variant (Variation ID: 651464). Experimental studies and prediction algorithms are not available or were not evaluated, and the functional significance of this variant is currently unknown.

Literature cited by the submitters: PubMed 32492895 (cited by 3billion); PubMed 18533079 (cited by Labcorp Genetics (formerly Invitae), Labcorp); PubMed 19574547 (cited by Labcorp Genetics (formerly Invitae), Labcorp); PubMed 19996403 (cited by Labcorp Genetics (formerly Invitae), Labcorp); PubMed 23396983 (cited by Labcorp Genetics (formerly Invitae), Labcorp); PubMed 27532257 (cited by Labcorp Genetics (formerly Invitae), Labcorp).

NM_000256.3(MYBPC3):c.3799del (p.Arg1267fs)

Gene: MYBPC3 (myosin binding protein C3; minus strand). Cytogenetic location: 11p11.2.
Variant type: Deletion.
Coding change: c.3799del on transcript NM_000256.3 (MANE Select); coding-DNA position 3799, one base deleted (C; older notation c.3799delC).
Protein change: p.Arg1267fs; shifts the reading frame from arginine 1267.
Molecular consequence: frameshift variant.
Genome position (GRCh38, 1-based): chr11:47,332,087, G deleted on the plus strand (C on the coding strand, the reverse complement: MYBPC3 is on the minus strand); the first of 2 consecutive G bases (chr11:47,332,087-47,332,088); deleting either gives the same sequence. VCF-style (leftmost placement, unchanged base first): chr11-47332086-CG-C. GRCh37 (hg19) VCF-style: chr11-47353637-CG-C.
Other names: c.3799delC (NM_000256.3); short protein forms R1267fs.
Identifiers: ClinVar variation 651464 (VCV000651464.10), dbSNP rs1595840648, ClinGen allele CA915948127.